The following is an entry in ClinVar:

NM_000812.4(GABRB1):c.643G>A (p.Asp215Asn)

Gene: GABRB1 (gamma-aminobutyric acid type A receptor subunit beta1; plus strand). Cytogenetic location: 4p12.
Variant type: single nucleotide variant.
Coding change: c.643G>A on transcript NM_000812.4 (MANE Select); coding-DNA position 643, G replaced by A.
Protein change: p.Asp215Asn; replaces aspartic acid 215 with asparagine.
Molecular consequence: missense variant.
Genome position (GRCh38, 1-based): chr4:47,403,416, G>A. VCF-style: chr4-47403416-G-A. GRCh37 (hg19) VCF-style: chr4-47405433-G-A.
Other names: c.643G>A (NM_000812.3); short protein forms D215N.
Identifiers: ClinVar variation 1995773 (VCV001995773.5), dbSNP rs2475459911, ClinGen allele CA356810401.

ClinVar aggregate classification (germline): Uncertain significance. Review status: criteria provided, multiple submitters, no conflicts (2 of 4 stars). 2 submissions from 2 submitters: Uncertain significance (2). Last evaluated 2022-09-06.

Submissions (2):

GeneDx
Classification: Uncertain significance. Last evaluated: 2022-09-06. Review status: criteria provided, single submitter. Criteria: GeneDx Variant Classification Process June 2021. Collection method: clinical testing. Allele origin: germline. Affected: yes.
Comment: Not observed at significant frequency in large population cohorts (gnomAD); In silico analysis supports that this missense variant does not alter protein structure/function; Has not been previously published as pathogenic or benign to our knowledge

Labcorp Genetics (formerly Invitae), Labcorp
Classification: Uncertain significance. Last evaluated: 2022-05-17. Review status: criteria provided, single submitter. Criteria: Invitae Variant Classification Sherloc (09022015). Collection method: clinical testing. Allele origin: germline.
Comment: This variant is not present in population databases (gnomAD no frequency). In summary, the available evidence is currently insufficient to determine the role of this variant in disease. Therefore, it has been classified as a Variant of Uncertain Significance. Advanced modeling of protein sequence and biophysical properties (such as structural, functional, and spatial information, amino acid conservation, physicochemical variation, residue mobility, and thermodynamic stability) performed at Invitae indicates that this missense variant is not expected to disrupt GABRB1 protein function. This variant has not been reported in the literature in individuals affected with GABRB1-related conditions. This sequence change replaces aspartic acid, which is acidic and polar, with asparagine, which is neutral and polar, at codon 215 of the GABRB1 protein (p.Asp215Asn).